The following is an entry in ClinVar:

ClinVar aggregate classification (germline): Uncertain significance. Review status: criteria provided, multiple submitters, no conflicts (2 of 4 stars). 2 submissions from 2 submitters: Uncertain significance (2). Last evaluated 2021-10-26.

Conditions:
Epileptic encephalopathy. Identifiers: MedGen C0543888, HP:0200134.

Allele frequency attached by ClinVar (database versions not stated): gnomAD 0.00001; gnomAD exomes 0.00001; TOPMed 0.00002.
gnomAD v4.1: 21 of 1,591,160 alleles (0.0013%); highest among the groups gnomAD compares: Non-Finnish European, 0.0018%; no homozygotes.

Submissions (2):

Ambry Genetics
Classification: Uncertain significance. Last evaluated: 2021-10-26. Review status: criteria provided, single submitter. Criteria: Ambry Variant Classification Scheme 2023. Collection method: clinical testing. Allele origin: germline.

Labcorp Genetics (formerly Invitae), Labcorp
Classification: Uncertain significance for Epileptic encephalopathy. Last evaluated: 2018-02-14. Review status: criteria provided, single submitter. Criteria: Invitae Variant Classification Sherloc (09022015). Collection method: clinical testing. Allele origin: germline.
Comment: In summary, the available evidence is currently insufficient to determine the role of this variant in disease. Therefore, it has been classified as a Variant of Uncertain Significance. Algorithms developed to predict the effect of missense changes on protein structure and function do not agree on the potential impact of this missense change (SIFT: "Deleterious"; PolyPhen-2: "Benign"; Align-GVGD: "Class C15"). This variant has not been reported in the literature in individuals with RYR3-related disease. This variant is not present in population databases (ExAC no frequency). This sequence change replaces alanine with serine at codon 938 of the RYR3 protein (p.Ala938Ser). The alanine residue is highly conserved and there is a moderate physicochemical difference between alanine and serine.

NM_001036.6(RYR3):c.2812G>T (p.Ala938Ser)

Gene: RYR3 (ryanodine receptor 3; plus strand). Cytogenetic location: 15q14.
Variant type: single nucleotide variant.
Coding change: c.2812G>T on transcript NM_001036.6 (MANE Select); coding-DNA position 2812, G replaced by T.
Protein change: p.Ala938Ser; replaces alanine 938 with serine.
Molecular consequence: missense variant.
Genome position (GRCh38, 1-based): chr15:33,631,238, G>T. VCF-style: chr15-33631238-G-T. GRCh37 (hg19) VCF-style: chr15-33923439-G-T.
Other names: c.2812G>T, p.Ala938Ser (NM_001243996.4); c.2812G>T (NM_001036.3); short protein forms A938S.
Identifiers: ClinVar variation 580064 (VCV000580064.9), dbSNP rs1186954298, ClinGen allele CA391571187.